The following is an entry in ClinVar:

ClinVar aggregate classification (germline): Uncertain significance (1 of 4 stars; one submission).

Conditions:
Malignant hyperthermia, susceptibility to, 1 (MHS1). Also called: RYR1-Related Malignant Hyperthermia Susceptibility; Anesthesia related hyperthermia; Malignant hyperpyrexia; Fulminating hyperpyrexia; Pharmacogenic myopathy; Malignant hyperthermia suceptibility 1. Identifiers: Orphanet 423, MedGen C2930980, MONDO:0007783, OMIM 145600.

Allele frequency attached by ClinVar (database versions not stated): gnomAD exomes below 0.00001.
gnomAD v4.1: 3 of 1,604,424 alleles (0.00019%); highest among the groups gnomAD compares: Non-Finnish European, 0.00026%; no homozygotes.

Submission:

All of Us Research Program, National Institutes of Health
Classification: Uncertain significance for Malignant hyperthermia, susceptibility to, 1. Last evaluated: 2023-02-24. Review status: criteria provided, single submitter. Criteria: ACMG Guidelines, 2015. Collection method: clinical testing. Allele origin: germline. Inheritance: Autosomal dominant inheritance. Observed: 1 variant allele, 1 heterozygote.
Comment: This variant causes a G to C nucleotide substitution at the -1 position of intron 91 of the RYR1 gene. Splice site prediction tools suggest that this variant may have a significant impact on RNA splicing. Although this prediction has not been confirmed in published RNA studies, this variant is predicted to result in an absent or disrupted protein product. This variant has not been reported in individuals affected with RYR1-related disorders in the literature. This variant has not been identified in the general population by the Genome Aggregation Database (gnomAD). Loss of RYR1 function due to haploinsufficiency is associated with congenital myopathy, but it is not an established disease mechanism for autosomal dominant malignant hyperthermia susceptibility. Due to insufficient evidence, this variant is classified as a Variant of Uncertain Significance for autosomal dominant malignant hyperthermia.

This study involves interpretation of variants in research participants for the purpose of population health screening. Participant phenotype was not available at the time of variant classification. Additional details can be found in publication PMID: 35346344, PMCID: PMC8962531

NM_000540.3(RYR1):c.13438-1G>C

Gene: RYR1 (ryanodine receptor 1; plus strand). Cytogenetic location: 19q13.2.
Variant type: single nucleotide variant.
Coding change: c.13438-1G>C on transcript NM_000540.3 (MANE Select); the canonical splice acceptor site of the intron before coding-DNA position 13438, G replaced by C.
Molecular consequence: splice acceptor variant.
Genome position (GRCh38, 1-based): chr19:38,566,910, G>C. VCF-style: chr19-38566910-G-C. GRCh37 (hg19) VCF-style: chr19-39057550-G-C.
Other names: c.13423-1G>C (NM_001042723.2).
Identifiers: ClinVar variation 3069528 (VCV003069528.1), dbSNP rs2514689365, ClinGen allele CA405676173.
Genomic context (GRCh38, chr19:38,566,910, plus strand): 5'-GCAGGCAGCCTGAGAAGCGCTTAGGGTGAGGACTCAGCCCTGATGCTTGCCCTGTCCCTA[G>C]GTGGATGGAGTGGAGGAGGAGCTCCCGCCAGAGCCAGAGCCCGAGCCGGAACCAGAGCTG-3'